The following is an entry in ClinVar:

Conditions:
Arteriohepatic dysplasia. Also called: Alagille Syndrome. Identifiers: Orphanet 52, MedGen C0085280, MeSH D016738, MONDO:0007318.

Submission:

Gilbert/Spinner Lab, Children's Hospital of Philadelphia
No classification provided (evidence only). Condition: Alagille syndrome. Review status: no classification provided. Collection method: research. Allele origin: not applicable. Functional consequence: functionally_abnormal.
ClinVar note: "not provided" was previously submitted as the classification for the variant. However, the classification appeared to be based only on an observation of functional data so it was converted to no classification on 2025-07-30.

NM_000214.3(JAG1):c.686G>T (p.Cys229Phe)

Gene: JAG1 (jagged canonical Notch ligand 1; minus strand). Cytogenetic location: 20p12.2.
Variant type: single nucleotide variant.
Coding change: c.686G>T on transcript NM_000214.3 (MANE Select); coding-DNA position 686, G replaced by T.
Protein change: p.Cys229Phe; replaces cysteine 229 with phenylalanine.
Molecular consequence: missense variant.
Genome position (GRCh38, 1-based): chr20:10,658,476, C>A on the plus strand (G>T on the coding strand, the complement: JAG1 is on the minus strand). VCF-style: chr20-10658476-C-A. GRCh37 (hg19) VCF-style: chr20-10639124-C-A.
Other names: short protein forms C229F.
Identifiers: ClinVar variation 3573084 (VCV003573084.2).
Genomic context (GRCh38, chr20:10,658,476, plus strand): 5'-ATGGACACTAAAAGCAACAGGCACACGTGCACATGCACACACACACACATACCTCTGTTA[C>A]ATTCGGGGCCCATCCAGCCTTCCATGCAAGTTTTGTTGCCATTCTGGTCACAGGCATAGT-3'
Protein context (NP_000205.1, residues 219-239): TCMEGWMGPE[Cys229Phe]NRAICRQGCS